The following is an entry in ClinVar:

ClinVar aggregate classification (germline): Uncertain significance (1 of 4 stars; one submission).

Conditions:
Dilated cardiomyopathy 1HH (CMD1HH). Identifiers: Orphanet 154, MedGen C3151293, MONDO:0013479, OMIM 613881.
Myofibrillar myopathy 6. Identifiers: Orphanet 199340, MedGen C2751831, MONDO:0013061, OMIM 612954.

gnomAD v4.1: 2 of 1,614,172 alleles (0.00012%); highest among the groups gnomAD compares: Non-Finnish European, 0.000085%; no homozygotes.

Submission:

Labcorp Genetics (formerly Invitae), Labcorp
Classification: Uncertain significance for Dilated cardiomyopathy 1HH; Myofibrillar myopathy 6. Last evaluated: 2022-10-08. Review status: criteria provided, single submitter. Criteria: Invitae Variant Classification Sherloc (09022015). Collection method: clinical testing. Allele origin: germline.
Comment: Advanced modeling of protein sequence and biophysical properties (such as structural, functional, and spatial information, amino acid conservation, physicochemical variation, residue mobility, and thermodynamic stability) has been performed at Invitae for this missense variant, however the output from this modeling did not meet the statistical confidence thresholds required to predict the impact of this variant on BAG3 protein function. In summary, the available evidence is currently insufficient to determine the role of this variant in disease. Therefore, it has been classified as a Variant of Uncertain Significance. This variant has not been reported in the literature in individuals affected with BAG3-related conditions. This sequence change replaces proline, which is neutral and non-polar, with leucine, which is neutral and non-polar, at codon 367 of the BAG3 protein (p.Pro367Leu). This variant is not present in population databases (gnomAD no frequency).

NM_004281.4(BAG3):c.1100C>T (p.Pro367Leu)

Gene: BAG3 (BAG cochaperone 3; plus strand). Cytogenetic location: 10q26.11.
Variant type: single nucleotide variant.
Coding change: c.1100C>T on transcript NM_004281.4 (MANE Select); coding-DNA position 1100, C replaced by T.
Protein change: p.Pro367Leu; replaces proline 367 with leucine.
Molecular consequence: missense variant.
Genome position (GRCh38, 1-based): chr10:119,676,654, C>T. VCF-style: chr10-119676654-C-T. GRCh37 (hg19) VCF-style: chr10-121436166-C-T.
Other names: short protein forms P367L.
Identifiers: ClinVar variation 2134185 (VCV002134185.4), dbSNP rs786205347, ClinGen allele CA214224906.